The following is an entry in ClinVar:

NM_000548.5(TSC2):c.1776C>T (p.Ser592=)

Gene: TSC2 (TSC complex subunit 2; plus strand). Cytogenetic location: 16p13.3.
Variant type: single nucleotide variant.
Coding change: c.1776C>T on transcript NM_000548.5 (MANE Select); coding-DNA position 1776, C replaced by T.
Protein change: p.Ser592=; no amino-acid change (serine 592 retained).
Molecular consequence: synonymous variant.
Genome position (GRCh38, 1-based): chr16:2,070,515, C>T. VCF-style: chr16-2070515-C-T. GRCh37 (hg19) VCF-style: chr16-2120516-C-T.
Other names: c.1776C>T, p.Ser592= (NM_001077183.3, NM_001114382.3, NM_001363528.2 and 3 more transcripts); c.1665C>T, p.Ser555= (NM_001318827.2); c.1629C>T, p.Ser543= (NM_001318829.2); c.1176C>T, p.Ser392= (NM_001318831.2); c.1809C>T, p.Ser603= (NM_001318832.2).
Identifiers: ClinVar variation 536012 (VCV000536012.11), dbSNP rs1555505122, ClinGen allele CA492949768.

ClinVar aggregate classification (germline): Benign/Likely benign. Review status: criteria provided, multiple submitters, no conflicts (2 of 4 stars). 3 submissions from 3 submitters: Benign (1); Likely benign (2). Last evaluated 2025-08-05.

Conditions:
Tuberous sclerosis 2 (TSC2). Identifiers: Orphanet 805, MedGen C1860707, MONDO:0013199, OMIM 613254.
Hereditary cancer-predisposing syndrome. Also called: Neoplastic Syndromes, Hereditary; Tumor predisposition; Hereditary Cancer Syndrome; Hereditary neoplastic syndrome. Identifiers: Orphanet 140162, MedGen C0027672, MeSH D009386, MONDO:0015356.

Submissions (3):

Labcorp Genetics (formerly Invitae), Labcorp
Classification: Likely benign for Tuberous sclerosis 2. Last evaluated: 2025-08-05. Review status: criteria provided, single submitter. Criteria: Invitae Variant Classification Sherloc (09022015). Collection method: clinical testing. Allele origin: germline.

Myriad Genetics, Inc.
Classification: Benign for Tuberous sclerosis 2. Last evaluated: 2025-05-15. Review status: criteria provided, single submitter. Criteria: Myriad Autosomal Dominant, Autosomal Recessive and X-Linked Classification Criteria (2023). Collection method: clinical testing. Allele origin: unknown.
Comment: This variant is considered benign. This variant is a silent/synonymous amino acid change and it is not expected to impact splicing.

Ambry Genetics
Classification: Likely benign for Hereditary cancer-predisposing syndrome. Last evaluated: 2023-08-26. Review status: criteria provided, single submitter. Criteria: Ambry Variant Classification Scheme 2023. Collection method: clinical testing. Allele origin: germline.